The following is an entry in ClinVar:

ClinVar aggregate classification (germline): Pathogenic. Review status: criteria provided, multiple submitters, no conflicts (2 of 4 stars). 2 submissions from 2 submitters: Pathogenic (2). Last evaluated 2024-02-06.

Conditions:
Primary ciliary dyskinesia. Also called: Ciliary dyskinesia. Identifiers: Orphanet 244, MedGen C0008780, MONDO:0016575, HP:0012265.

Submissions (2):

Labcorp Genetics (formerly Invitae), Labcorp
Classification: Pathogenic for Primary ciliary dyskinesia. Last evaluated: 2024-02-06. Review status: criteria provided, single submitter. Criteria: Invitae Variant Classification Sherloc (09022015). Collection method: clinical testing. Allele origin: germline.
Comment: This sequence change creates a premature translational stop signal (p.Cys73Glnfs*6) in the CCDC39 gene. It is expected to result in an absent or disrupted protein product. Loss-of-function variants in CCDC39 are known to be pathogenic (PMID: 21131972, 23255504). This variant is present in population databases (no rsID available, gnomAD no frequency). This premature translational stop signal has been observed in individual(s) with primary ciliary dyskinesia (PMID: 21131972, 32253119). ClinVar contains an entry for this variant (Variation ID: 1786892). For these reasons, this variant has been classified as Pathogenic.

Ambry Genetics
Classification: Pathogenic for Primary ciliary dyskinesia. Last evaluated: 2019-07-30. Review status: criteria provided, single submitter. Criteria: Ambry Variant Classification Scheme 2023. Collection method: clinical testing. Allele origin: germline.
Comment: The c.216_217delTT pathogenic mutation, located in coding exon 3 of the CCDC39 gene, results from a deletion of two nucleotides at nucleotide positions 216 to 217, causing a translational frameshift with a predicted alternate stop codon (p.C73Qfs*6). This mutation was identified in the homozygous state in an individual with primary ciliary dyskinesia (Merveille AC et al. Nat. Genet., 2011 Jan;43:72-8). In addition to the clinical data presented in the literature, this alteration is expected to result in loss of function by premature protein truncation or nonsense-mediated mRNA decay. As such, this alteration is interpreted as a disease-causing mutation.

Literature cited by the submitters: PubMed 21131972 (cited by Labcorp Genetics (formerly Invitae), Labcorp and Ambry Genetics); PubMed 23255504 (cited by Labcorp Genetics (formerly Invitae), Labcorp); PubMed 32253119 (cited by Labcorp Genetics (formerly Invitae), Labcorp).

NM_181426.2(CCDC39):c.216_217del (p.Cys73fs)

Gene: CCDC39 (coiled-coil domain 39 molecular ruler complex subunit; minus strand). Cytogenetic location: 3q26.33.
Variant type: Deletion.
Coding change: c.216_217del on transcript NM_181426.2 (MANE Select); coding-DNA positions 216 to 217, 2 bases deleted (TT; older notation c.216_217delTT).
Protein change: p.Cys73fs; shifts the reading frame from cysteine 73.
Molecular consequence: frameshift variant.
Genome position (GRCh38, 1-based): chr3:180,662,001-180,662,002, AA deleted on the plus strand (TT on the coding strand, the reverse complement: CCDC39 is on the minus strand); deleting any 2 consecutive bases within chr3:180,662,001-180,662,003 gives the same sequence; the c. name uses the placement nearest the transcript's 3' end. VCF-style (leftmost placement, unchanged base first): chr3-180662000-CAA-C. GRCh37 (hg19) VCF-style: chr3-180379788-CAA-C.
Other names: short protein forms C73fs.
Identifiers: ClinVar variation 1786892 (VCV001786892.5), dbSNP rs1489439743, ClinGen allele CA548337293.